The following is an entry in ClinVar:

ClinVar aggregate classification (germline): Uncertain significance (1 of 4 stars; one submission).

Conditions:
Chédiak-Higashi syndrome (CHS). Also called: Chediak-Higashi Syndrome. Identifiers: Orphanet 167, MedGen C0007965, MONDO:0008963, OMIM 214500.

Submission:

Labcorp Genetics (formerly Invitae), Labcorp
Classification: Uncertain significance for Chédiak-Higashi syndrome. Last evaluated: 2022-03-04. Review status: criteria provided, single submitter. Criteria: Invitae Variant Classification Sherloc (09022015). Collection method: clinical testing. Allele origin: germline.
Comment: In summary, the available evidence is currently insufficient to determine the role of this variant in disease. Therefore, it has been classified as a Variant of Uncertain Significance. Algorithms developed to predict the effect of missense changes on protein structure and function output the following: SIFT: "Tolerated"; PolyPhen-2: "Benign"; Align-GVGD: "Class C0". The valine amino acid residue is found in multiple mammalian species, which suggests that this missense change does not adversely affect protein function. This variant has not been reported in the literature in individuals affected with LYST-related conditions. This variant is not present in population databases (gnomAD no frequency). This sequence change replaces alanine, which is neutral and non-polar, with valine, which is neutral and non-polar, at codon 1284 of the LYST protein (p.Ala1284Val).

NM_000081.4(LYST):c.3851C>T (p.Ala1284Val)

Gene: LYST (lysosomal trafficking regulator; minus strand). Cytogenetic location: 1q42.3.
Variant type: single nucleotide variant.
Coding change: c.3851C>T on transcript NM_000081.4 (MANE Select); coding-DNA position 3851, C replaced by T.
Protein change: p.Ala1284Val; replaces alanine 1284 with valine.
Molecular consequence: missense variant.
Genome position (GRCh38, 1-based): chr1:235,800,959, G>A on the plus strand (C>T on the coding strand, the complement: LYST is on the minus strand). VCF-style: chr1-235800959-G-A. GRCh37 (hg19) VCF-style: chr1-235964259-G-A.
Other names: c.3851C>T, p.Ala1284Val (NM_001301365.1); short protein forms A1284V.
Identifiers: ClinVar variation 2106631 (VCV002106631.4), dbSNP rs2527015494, ClinGen allele CA344943556.
Genomic context (GRCh38, chr1:235,800,959, plus strand): 5'-TCTTTCTGCCTAATAATTTTCAAAAAACTCTCAAATACATGGGCAAGCACATCAAGTTTG[G>A]CTTTACTAGCAGAAAGCAAATTTAATTCCAGCATACAAATCTCAGGATAAATTATTTCCC-3'
Protein context (NP_000072.2, residues 1274-1294): LELNLLSASK[Ala1284Val]KLDVLAHVFE